The following is an entry in ClinVar:

NM_003482.4(KMT2D):c.8789C>T (p.Pro2930Leu)

Gene: KMT2D (lysine methyltransferase 2D; minus strand). Cytogenetic location: 12q13.12.
Variant type: single nucleotide variant.
Coding change: c.8789C>T on transcript NM_003482.4 (MANE Select); coding-DNA position 8789, C replaced by T.
Protein change: p.Pro2930Leu; replaces proline 2930 with leucine.
Molecular consequence: missense variant.
Genome position (GRCh38, 1-based): chr12:49,038,567, G>A on the plus strand (C>T on the coding strand, the complement: KMT2D is on the minus strand). VCF-style: chr12-49038567-G-A. GRCh37 (hg19) VCF-style: chr12-49432350-G-A.
Other names: short protein forms P2930L.
Identifiers: ClinVar variation 805016 (VCV000805016.2), dbSNP rs777025180, ClinGen allele CA6546794.
Genomic context (GRCh38, chr12:49,038,567, plus strand): 5'-GGTGTTGGATGAAGACTGTTGTTCAATTCAGGGGCCGGTGGGGCTGAGGGTTTCTGTGGG[G>A]GAAGACCTGATACCGCCAGGCCCCGAAGCCCTTCAGGAGCCAGTCGGTGGGGGTCCTCAC-3'
Protein context (NP_003473.3, residues 2920-2940): GLRGLAVSGL[Pro2930Leu]PQKPSAPPAP

ClinVar aggregate classification (germline): Uncertain significance. Review status: criteria provided, multiple submitters, no conflicts (2 of 4 stars). 2 submissions from 2 submitters: Uncertain significance (2). Last evaluated 2024-07-08.

Allele frequency attached by ClinVar (database versions not stated): gnomAD exomes below 0.00001; ExAC 0.00001; gnomAD 0.00001.
gnomAD v4.1: 3 of 1,612,428 alleles (0.00019%); highest among the groups gnomAD compares: Non-Finnish European, 0.00025%; no homozygotes.

Submissions (2):

ARUP Laboratories, Molecular Genetics and Genomics, ARUP Laboratories
Classification: Uncertain significance. Last evaluated: 2024-07-08. Review status: criteria provided, single submitter. Criteria: ARUP Molecular Germline Variant Investigation Process 2024. Collection method: clinical testing. Allele origin: germline.
Comment: The KMT2D c.8789C>T; p.Pro2930Leu variant (rs777025180), to our knowledge, is not reported in the medical literature but is reported in ClinVar (Variation ID: 805016). This variant is only observed on one allele in the Genome Aggregation Database (v2.1.1), indicating it is not a common polymorphism. Computational analyses are uncertain whether this variant is neutral or deleterious (REVEL: 0.347). Due to limited information, the clinical significance of this variant is uncertain at this time.

Athena Diagnostics
Classification: Uncertain significance. Last evaluated: 2019-06-25. Review status: criteria provided, single submitter. Criteria: Athena Diagnostics Criteria. Collection method: clinical testing. Allele origin: germline.